The following is an entry in ClinVar:

NM_030665.4(RAI1):c.3281C>T (p.Ser1094Leu)

Gene: RAI1 (retinoic acid induced 1; plus strand). Cytogenetic location: 17p11.2.
Variant type: single nucleotide variant.
Coding change: c.3281C>T on transcript NM_030665.4 (MANE Select); coding-DNA position 3281, C replaced by T.
Protein change: p.Ser1094Leu; replaces serine 1094 with leucine.
Molecular consequence: missense variant.
Genome position (GRCh38, 1-based): chr17:17,796,229, C>T. VCF-style: chr17-17796229-C-T. GRCh37 (hg19) VCF-style: chr17-17699543-C-T.
Other names: c.3281C>T (NM_030665.3); short protein forms S1094L.
Identifiers: ClinVar variation 2090296 (VCV002090296.5), dbSNP rs376044849, ClinGen allele CA288370322.

ClinVar aggregate classification (germline): Uncertain significance. Review status: criteria provided, multiple submitters, no conflicts (2 of 4 stars). 2 submissions from 2 submitters: Uncertain significance (2). Last evaluated 2025-05-07.

Conditions:
Inborn genetic diseases. Identifiers: MedGen C0950123, MeSH D030342.

Allele frequency attached by ClinVar (database versions not stated): gnomAD 0.00001; gnomAD exomes 0.00001; TOPMed 0.00001; ESP Exome Variant Server 0.00008.
gnomAD v4.1: 5 of 1,563,720 alleles (0.00032%); highest among the groups gnomAD compares: African/African-American, 0.0014%; no homozygotes.

Submissions (2):

Ambry Genetics
Classification: Uncertain significance for Inborn genetic diseases. Last evaluated: 2025-05-07. Review status: criteria provided, single submitter. Criteria: Ambry Variant Classification Scheme 2023. Collection method: clinical testing. Allele origin: germline.

Labcorp Genetics (formerly Invitae), Labcorp
Classification: Uncertain significance. Last evaluated: 2024-04-25. Review status: criteria provided, single submitter. Criteria: Invitae Variant Classification Sherloc (09022015). Collection method: clinical testing. Allele origin: germline.
Comment: This sequence change replaces serine, which is neutral and polar, with leucine, which is neutral and non-polar, at codon 1094 of the RAI1 protein (p.Ser1094Leu). This variant is not present in population databases (gnomAD no frequency). This variant has not been reported in the literature in individuals affected with RAI1-related conditions. ClinVar contains an entry for this variant (Variation ID: 2090296). Advanced modeling of protein sequence and biophysical properties (such as structural, functional, and spatial information, amino acid conservation, physicochemical variation, residue mobility, and thermodynamic stability) performed at Invitae indicates that this missense variant is not expected to disrupt RAI1 protein function with a negative predictive value of 80%. In summary, the available evidence is currently insufficient to determine the role of this variant in disease. Therefore, it has been classified as a Variant of Uncertain Significance.